The following is an entry in ClinVar:

NM_000426.4(LAMA2):c.2461_2476del (p.Thr821fs)

Gene: LAMA2 (laminin subunit alpha 2; plus strand). Cytogenetic location: 6q22.33.
Variant type: Deletion.
Coding change: c.2461_2476del on transcript NM_000426.4 (MANE Select); coding-DNA positions 2461 to 2476, 16 bases deleted (ACGTGCCATTTAGACC).
Protein change: p.Thr821fs; shifts the reading frame from threonine 821.
Molecular consequence: frameshift variant.
Genome position (GRCh38, 1-based): chr6:129,280,071-129,280,086, ACGTGCCATTTAGACC deleted. VCF-style (leftmost placement, unchanged base first): chr6-129280070-AACGTGCCATTTAGACC-A. GRCh37 (hg19) VCF-style: chr6-129601215-AACGTGCCATTTAGACC-A.
Other names: c.2461_2476del, p.Thr821fs (NM_001079823.2); short protein forms T821fs.
Identifiers: ClinVar variation 1724474 (VCV001724474.3), dbSNP rs2482251715, ClinGen allele CA2580075040.

ClinVar aggregate classification (germline): Likely pathogenic (1 of 4 stars; one submission).

Conditions:
LAMA2-related muscular dystrophy (LAMA2-RD). Also called: Laminin alpha 2-related dystrophy. Identifiers: MedGen C5679788, MONDO:0100228.

Submission:

Myriad Genetics, Inc.
Classification: Likely pathogenic for LAMA2-related muscular dystrophy. Last evaluated: 2022-02-17. Review status: criteria provided, single submitter. Criteria: Myriad Autosomal Dominant, Autosomal Recessive and X-Linked Classification Criteria (2023). Collection method: clinical testing. Allele origin: unknown.
Comment: NM_000426.3(LAMA2):c.2461_2476del16(T821Gfs*5) is expected to be pathogenic in the context of muscular dystrophy, LAMA2-related. This variant is predicted to lead to an abnormal or absent protein product due to the creation of a premature termination codon in LAMA2, a gene where loss-of-function variants are known to be pathogenic. Please note: this variant was assessed in the context of healthy population screening.